The following is an entry in ClinVar:

ClinVar aggregate classification (germline): Conflicting classifications of pathogenicity. Review status: criteria provided, conflicting classifications (1 of 4 stars). 4 submissions from 4 submitters: Uncertain significance (2); Likely benign (1). 1 of the submissions does not count toward it. Last evaluated 2025-12-09.

Conditions:
Inborn genetic diseases. Identifiers: MedGen C0950123, MeSH D030342.
Glycine encephalopathy. Also called: Non-ketotic hyperglycinemia; Nonketotic hyperglycinemia. Identifiers: Orphanet 407, MedGen C0751748, MONDO:0011612, HP:0008288.

Allele frequency attached by ClinVar (database versions not stated): ExAC 0.00013; gnomAD 0.00025 and 0.00026; TOPMed 0.00032; ESP Exome Variant Server 0.00062; gnomAD exomes 0.00003 and 0.00008.
gnomAD v4.1: 76 of 1,612,448 alleles (0.0047%); highest among the groups gnomAD compares: African/African-American, 0.093%; no homozygotes.

Submissions (4):

Labcorp Genetics (formerly Invitae), Labcorp
Classification: Likely benign for Glycine encephalopathy. Last evaluated: 2025-12-09. Review status: criteria provided, single submitter. Criteria: Invitae Variant Classification Sherloc (09022015). Collection method: clinical testing. Allele origin: germline.

GeneDx
Classification: Uncertain significance. Last evaluated: 2024-12-18. Review status: criteria provided, single submitter. Criteria: GeneDx Variant Classification Process June 2021. Collection method: clinical testing. Allele origin: germline. Affected: yes.
Comment: In silico analysis indicates that this missense variant does not alter protein structure/function; Has not been previously published as pathogenic or benign to our knowledge; This variant is associated with the following publications: (PMID: 32421718)

Ambry Genetics
Classification: Uncertain significance for Inborn genetic diseases. Last evaluated: 2022-02-15. Review status: criteria provided, single submitter. Criteria: Ambry Variant Classification Scheme 2023. Collection method: clinical testing. Allele origin: germline.

Natera, Inc.
Classification: Likely benign for Non-ketotic hyperglycinemia. Last evaluated: 2019-10-28. Review status: no assertion criteria provided. Collection method: clinical testing. Allele origin: germline. Not counted in ClinVar's aggregate classification.

Literature cited by the submitters: PubMed 32421718 (cited by Ambry Genetics); PubMed 33524012 (cited by Ambry Genetics).

NM_000170.3(GLDC):c.2126A>G (p.Asn709Ser)

Gene: GLDC (glycine decarboxylase; minus strand). Cytogenetic location: 9p24.1.
Variant type: single nucleotide variant.
Coding change: c.2126A>G on transcript NM_000170.3 (MANE Select); coding-DNA position 2126, A replaced by G.
Protein change: p.Asn709Ser; replaces asparagine 709 with serine.
Molecular consequence: missense variant.
Genome position (GRCh38, 1-based): chr9:6,556,229, T>C on the plus strand (A>G on the coding strand, the complement: GLDC is on the minus strand). VCF-style: chr9-6556229-T-C. GRCh37 (hg19) VCF-style: chr9-6556229-T-C.
Other names: short protein forms N709S.
Identifiers: ClinVar variation 531763 (VCV000531763.18), dbSNP rs150943866, ClinGen allele CA4980383.